The following is an entry in ClinVar:

ClinVar aggregate classification (germline): Pathogenic/Likely pathogenic. Review status: criteria provided, multiple submitters, no conflicts (2 of 4 stars). 5 submissions from 5 submitters: Pathogenic (1); Likely pathogenic (2). 2 of the submissions do not count toward it. Last evaluated 2026-01-28.

Conditions:
Oocyte maturation defect 4. Also called: OOCYTE/ZYGOTE/EMBRYO MATURATION ARREST 4. Identifiers: MedGen C4540284, MONDO:0021575, OMIM 617743.
Oocyte maturation defect 2 (OZEMA2). Also called: OOCYTE/ZYGOTE/EMBRYO MATURATION ARREST 2. Identifiers: MedGen C4225210, MONDO:0021573, OMIM 616780.

Allele frequency attached by ClinVar (database versions not stated): gnomAD 0.00003; gnomAD exomes 0.00003; TOPMed 0.00004.
gnomAD v4.1: 44 of 1,551,570 alleles (0.0028%); highest among the groups gnomAD compares: Middle Eastern, 0.033%; no homozygotes.

Submissions (5):

3billion
Classification: Pathogenic for Oocyte maturation defect 4. Last evaluated: 2026-01-28. Review status: criteria provided, single submitter. Criteria: ACMG Guidelines, 2015. Collection method: clinical testing. Allele origin: germline. Affected: yes.
Comment: The variant is observed at an extremely low frequency in the gnomAD v4.1.0 dataset (total allele frequency: 0.003%). Predicted Consequence/Location: Stop-gained (nonsense): predicted to result in a loss or disruption of normal protein function through nonsense-mediated decay (NMD) or protein truncation. Multiple pathogenic variants are reported downstream of the variant. The variant has been reported at least twice as pathogenic without evidence for the classification (ClinVar ID: VCV000444045 /PMID: 28965844 /3billion dataset). Therefore, this variant is classified as Pathogenic according to the recommendation of ACMG/AMP guideline.

Laboratory for Molecular Medicine, Mass General Brigham Personalized Medicine
Classification: Likely pathogenic for Oocyte maturation defect 2. Last evaluated: 2021-04-02. Review status: criteria provided, single submitter. Criteria: LMM Criteria. Collection method: clinical testing. Allele origin: germline. Inheritance: Autosomal recessive inheritance. Observed: 1 variant allele.
Comment: The p.Arg160X variant in PATL2 has been reported as homozygous in 8 Middle Eastern and North African women with oocyte maturation arrest and segregated with disease in 1 affected individual from 1 family (Maddirevula 2017 PMID: 28965844, Christou-Kent 2018 PMID: 29661911, Okutman 2021 PMCID: PMC7999157). This variant has also been reported by other clinical laboratories in ClinVar (Variation ID: 444045) and has also been identified in 0.003% (3/154084) of pan-ethnic chromosomes by gnomAD. This nonsense variant leads to a premature termination codon at position 160, which is predicted to lead to a truncated or absent protein. Loss of function of the PATL2 gene is strongly associated to autosomal recessive oocyte maturation arrest. In summary, although additional studies are required to fully establish its clinical significance, this variant meets criteria to be classified as likely pathogenic for autosomal recessive oocyte maturation arrest. ACMG/AMP Criteria applied: PVS1_Strong, PM3, PM2_Supporting.

SIB Swiss Institute of Bioinformatics
Classification: Likely pathogenic for Oocyte maturation defect 4. Last evaluated: 2018-04-16. Review status: criteria provided, single submitter. Criteria: ACMG Guidelines, 2015. Collection method: curation. Allele origin: germline.
Comment: This variant is interpreted as a Likely Pathogenic, for Oocyte maturation defect 4, Autosomal Recessive inheritance. The following ACMG Tag(s) were applied: PM2 => Absent from controls (or at extremely low frequency if recessive) in Exome Sequencing Project, 1000 Genomes Project, or Exome Aggregation Consortium. PP1 => Cosegregation with disease in multiple affected family members in a gene definitively known to cause the disease. PS3-Moderate => PS3 downgraded in strength to Moderate (PMID:28965844). PVS1-Strong => PVS1 downgraded in strength to Strong (PMID:28965844).

OMIM
Classification: Pathogenic for OOCYTE/ZYGOTE/EMBRYO MATURATION ARREST 4. Last evaluated: 2023-04-10. Review status: no assertion criteria provided. Collection method: literature only. Allele origin: germline. Not counted in ClinVar's aggregate classification.

Diagnostic Laboratory, Strasbourg University Hospital
Classification: Pathogenic for Oocyte maturation defect 4. Last evaluated: 2021-02-09. Review status: no assertion criteria provided. Collection method: clinical testing. Allele origin: inherited. Inheritance: Autosomal recessive inheritance. Affected: yes. Observed: 1 variant allele, 1 homozygote. Not counted in ClinVar's aggregate classification.

Literature cited by the submitters: PubMed 28965844 (cited by 5 submitters); PubMed 32552793 (cited by Laboratory for Molecular Medicine, Mass General Brigham Personalized Medicine); PubMed 29661911 (cited by Laboratory for Molecular Medicine, Mass General Brigham Personalized Medicine).

NM_001387263.1(PATL2):c.478C>T (p.Arg160Ter)

Genes: PATL2 (PAT1 homolog 2; minus strand), LOC130056977 (ATAC-STARR-seq lymphoblastoid active region 9346; plus strand). Cytogenetic location: 15q21.1.
Variant type: single nucleotide variant.
Coding change: c.478C>T on transcript NM_001387263.1 (MANE Select); coding-DNA position 478, C replaced by T.
Protein change: p.Arg160Ter; replaces arginine 160 with a stop codon.
Molecular consequence: nonsense. On other transcripts: 5 prime UTR variant (1).
Genome position (GRCh38, 1-based): chr15:44,672,425, G>A on the plus strand (C>T on the coding strand, the complement: PATL2 is on the minus strand). VCF-style: chr15-44672425-G-A. GRCh37 (hg19) VCF-style: chr15-44964623-G-A.
Other names: NM_001145112.1:c.478C>T(p.Arg160Ter); c.478C>T, p.Arg160Ter (NM_001145112.2, NM_001387260.1, NM_001387261.1 and 2 more transcripts); c.-173C>T (NM_001330283.2); short protein forms R160*.
Identifiers: ClinVar variation 444045 (VCV000444045.11), dbSNP rs548527219, ClinGen allele CA270095947.
Genomic context (GRCh38, chr15:44,672,425, plus strand): 5'-CCTGCTCCTGGTCTGGGCTTTACCTTGGTGTTTGACTATGCTGCTGCTGCTGCAAGATTC[G>A]TTGGTGCCGAGGGTGGAGCTGGGTCAGATGACTGGGAAGACAAGAAGTAACGAGCTGGGT-3'